The following is an entry in ClinVar:

NM_001942.4(DSG1):c.427C>T (p.Leu143Phe)

Gene: DSG1 (desmoglein 1; plus strand). Cytogenetic location: 18q12.1.
Variant type: single nucleotide variant.
Coding change: c.427C>T on transcript NM_001942.4 (MANE Select); coding-DNA position 427, C replaced by T.
Protein change: p.Leu143Phe; replaces leucine 143 with phenylalanine.
Molecular consequence: missense variant.
Genome position (GRCh38, 1-based): chr18:31,329,946, C>T. VCF-style: chr18-31329946-C-T. GRCh37 (hg19) VCF-style: chr18-28909909-C-T.
Other names: short protein forms L143F.
Identifiers: ClinVar variation 2742680 (VCV002742680.3), dbSNP rs1162468057, ClinGen allele CA402128568.

ClinVar aggregate classification (germline): Uncertain significance (1 of 4 stars; one submission).

Allele frequency attached by ClinVar (database versions not stated): gnomAD exomes 0.00003; gnomAD 0.00004; TOPMed 0.00004.
gnomAD v4.1: 42 of 1,613,194 alleles (0.0026%); highest among the groups gnomAD compares: Non-Finnish European, 0.0035%; no homozygotes.

Submission:

Labcorp Genetics (formerly Invitae), Labcorp
Classification: Uncertain significance. Last evaluated: 2025-06-15. Review status: criteria provided, single submitter. Criteria: Invitae Variant Classification Sherloc (09022015). Collection method: clinical testing. Allele origin: germline.
Comment: This sequence change replaces leucine, which is neutral and non-polar, with phenylalanine, which is neutral and non-polar, at codon 143 of the DSG1 protein (p.Leu143Phe). This variant is present in population databases (no rsID available, gnomAD 0.004%). This variant has not been reported in the literature in individuals affected with DSG1-related conditions. ClinVar contains an entry for this variant (Variation ID: 2742680). Invitae Evidence Modeling of protein sequence and biophysical properties (such as structural, functional, and spatial information, amino acid conservation, physicochemical variation, residue mobility, and thermodynamic stability) indicates that this missense variant is not expected to disrupt DSG1 protein function with a negative predictive value of 80%. In summary, the available evidence is currently insufficient to determine the role of this variant in disease. Therefore, it has been classified as a Variant of Uncertain Significance.